The following is an entry in ClinVar:

NC_000008.10:g.(?_67998222)_(67998365_?)del

Gene: CSPP1 (centrosome and spindle pole associated protein 1; plus strand). Cytogenetic location: 8q13.1.
Variant type: Deletion.
Identifiers: ClinVar variation 1458414 (VCV001458414.4).

ClinVar aggregate classification (germline): Pathogenic (1 of 4 stars; one submission).

Conditions:
Joubert syndrome 21 (JBTS21). Identifiers: MedGen C3810212, MONDO:0014288, OMIM 615636.

Submission:

Labcorp Genetics (formerly Invitae), Labcorp
Classification: Pathogenic for Joubert syndrome 21. Last evaluated: 2021-06-30. Review status: criteria provided, single submitter. Criteria: Invitae Variant Classification Sherloc (09022015). Collection method: clinical testing. Allele origin: germline.
Comment: This variant has not been reported in the literature in individuals affected with CSPP1-related conditions. This variant is a gross deletion of the genomic region encompassing exon(s) 4 of the CSPP1 gene. This deletion is out-of-frame, and is expected to create a premature translational stop signal and result in an absent or disrupted protein product. Loss-of-function variants in CSPP1 are known to be pathogenic (PMID: 24360807, 24360808). For these reasons, this variant has been classified as Pathogenic.

Literature cited by the submitters: PubMed 24360807; PubMed 24360808.